The following is an entry in ClinVar:

NM_015072.5(TTLL5):c.366T>A (p.Phe122Leu)

Gene: TTLL5 (tubulin tyrosine ligase like 5; plus strand). Cytogenetic location: 14q24.3.
Variant type: single nucleotide variant.
Coding change: c.366T>A on transcript NM_015072.5 (MANE Select); coding-DNA position 366, T replaced by A.
Protein change: p.Phe122Leu; replaces phenylalanine 122 with leucine.
Molecular consequence: missense variant.
Genome position (GRCh38, 1-based): chr14:75,683,651, T>A. VCF-style: chr14-75683651-T-A. GRCh37 (hg19) VCF-style: chr14-76149994-T-A.
Other names: short protein forms F122L.
Identifiers: ClinVar variation 1801976 (VCV001801976.2), dbSNP rs2504286561, ClinGen allele CA390452604.

ClinVar aggregate classification (germline): Uncertain significance. Review status: criteria provided, multiple submitters, no conflicts (2 of 4 stars). 2 submissions from 2 submitters: Uncertain significance (2). Last evaluated 2025-08-12.

Conditions:
Inborn genetic diseases. Identifiers: MedGen C0950123, MeSH D030342.

gnomAD v4.1: 1 of 1,612,888 alleles (0.000062%); no homozygotes.

Submissions (2):

Ambry Genetics
Classification: Uncertain significance for Inborn genetic diseases. Last evaluated: 2025-08-12. Review status: criteria provided, single submitter. Criteria: Ambry Variant Classification Scheme 2023. Collection method: clinical testing. Allele origin: germline.

GeneDx
Classification: Uncertain significance. Last evaluated: 2022-06-03. Review status: criteria provided, single submitter. Criteria: GeneDx Variant Classification Process June 2021. Collection method: clinical testing. Allele origin: germline. Affected: yes.
Comment: Not observed at significant frequency in large population cohorts (gnomAD); In silico analysis supports that this missense variant has a deleterious effect on protein structure/function; Has not been previously published as pathogenic or benign to our knowledge